The following is an entry in ClinVar:

ClinVar aggregate classification (germline): Benign/Likely benign. Review status: criteria provided, multiple submitters, no conflicts (2 of 4 stars). 2 submissions from 2 submitters: Benign (1); Likely benign (1). Last evaluated 2024-09-12.

Conditions:
Hereditary diffuse gastric adenocarcinoma (HDGC). Also called: DIFFUSE GASTRIC AND LOBULAR BREAST CANCER SYNDROME. Identifiers: Orphanet 26106, MedGen C1708349, MONDO:0007648, OMIM 137215.

Submissions (2):

Myriad Genetics, Inc.
Classification: Benign for Hereditary diffuse gastric adenocarcinoma. Last evaluated: 2024-09-12. Review status: criteria provided, single submitter. Criteria: Myriad Autosomal Dominant, Autosomal Recessive and X-Linked Classification Criteria (2023). Collection method: clinical testing. Allele origin: unknown.
Comment: This variant is considered benign. This variant is a silent/synonymous amino acid change and it is not expected to impact splicing.

Labcorp Genetics (formerly Invitae), Labcorp
Classification: Likely benign for Hereditary diffuse gastric adenocarcinoma. Last evaluated: 2021-03-11. Review status: criteria provided, single submitter. Criteria: Invitae Variant Classification Sherloc (09022015). Collection method: clinical testing. Allele origin: germline.

NM_004360.5(CDH1):c.264T>C (p.Pro88=)

Gene: CDH1 (cadherin 1; plus strand). Cytogenetic location: 16q22.1.
Variant type: single nucleotide variant.
Coding change: c.264T>C on transcript NM_004360.5 (MANE Select); coding-DNA position 264, T replaced by C.
Protein change: p.Pro88=; no amino-acid change (proline 88 retained).
Molecular consequence: synonymous variant. On other transcripts: 5 prime UTR variant (2).
Genome position (GRCh38, 1-based): chr16:68,801,770, T>C. VCF-style: chr16-68801770-T-C. GRCh37 (hg19) VCF-style: chr16-68835673-T-C.
Other names: c.264T>C, p.Pro88= (NM_001317184.2); c.-1352T>C (NM_001317185.2); c.-1556T>C (NM_001317186.2).
Identifiers: ClinVar variation 1540156 (VCV001540156.9), dbSNP rs2152126798, ClinGen allele CA496152651.